The following is an entry in ClinVar:

ClinVar aggregate classification (germline): Uncertain significance (1 of 4 stars; one submission).

Conditions:
Hypertrophic cardiomyopathy 1 (CMH1). Also called: MYH7-Related Familial Hypertrophic Cardiomyopathy; Familial hypertrophic cardiomyopathy 1. Identifiers: MedGen C3495498, MONDO:0008647, OMIM 192600.

Allele frequency attached by ClinVar (database versions not stated): gnomAD exomes below 0.00001.

Submission:

Labcorp Genetics (formerly Invitae), Labcorp
Classification: Uncertain significance for Hypertrophic cardiomyopathy 1. Last evaluated: 2022-03-04. Review status: criteria provided, single submitter. Criteria: Invitae Variant Classification Sherloc (09022015). Collection method: clinical testing. Allele origin: germline.
Comment: This sequence change replaces threonine, which is neutral and polar, with isoleucine, which is neutral and non-polar, at codon 445 of the MYLK2 protein (p.Thr445Ile). This variant is not present in population databases (gnomAD no frequency). This variant has not been reported in the literature in individuals affected with MYLK2-related conditions. Algorithms developed to predict the effect of missense changes on protein structure and function (SIFT, PolyPhen-2, Align-GVGD) all suggest that this variant is likely to be disruptive. In summary, the available evidence is currently insufficient to determine the role of this variant in disease. Therefore, it has been classified as a Variant of Uncertain Significance.

NM_033118.4(MYLK2):c.1334C>T (p.Thr445Ile)

Gene: MYLK2 (myosin light chain kinase 2; plus strand). Cytogenetic location: 20q11.21.
Variant type: single nucleotide variant.
Coding change: c.1334C>T on transcript NM_033118.4 (MANE Select); coding-DNA position 1334, C replaced by T.
Protein change: p.Thr445Ile; replaces threonine 445 with isoleucine.
Molecular consequence: missense variant.
Genome position (GRCh38, 1-based): chr20:31,831,051, C>T. VCF-style: chr20-31831051-C-T. GRCh37 (hg19) VCF-style: chr20-30418854-C-T.
Other names: short protein forms T445I.
Identifiers: ClinVar variation 2086849 (VCV002086849.4), dbSNP rs1286300289, ClinGen allele CA408527653.
Genomic context (GRCh38, chr20:31,831,051, plus strand): 5'-CAGCCCTTGGTCTCACCCCCAGGTATAACCCCAACGAGAAGCTGAAGGTGAACTTTGGGA[C>T]CCCAGAGTTCCTGTCACCTGAGGTGGTGAATTATGACCAAATCTCCGATAAGACAGACAT-3'
Protein context (NP_149109.1, residues 435-455): PNEKLKVNFG[Thr445Ile]PEFLSPEVVN